The following is an entry in ClinVar:

ClinVar aggregate classification (germline): Benign (1 of 4 stars; one submission).

Conditions:
Melanoma, cutaneous malignant, susceptibility to, 3. Also called: Cutaneous malignant melanoma 3. Identifiers: Orphanet 618, MedGen C1836892, MONDO:0012183, OMIM 609048.

Allele frequency attached by ClinVar (database versions not stated): gnomAD 0.00025 and 0.00033; TOPMed 0.00041; gnomAD exomes 0.00057; 1000 Genomes Project 0.00140; 1000 Genomes Project 30x 0.00141.
gnomAD v4.1: 56 of 161,734 alleles (0.035%); highest among the groups gnomAD compares: East Asian, 0.63%; 1 homozygote.

Submission:

Illumina Laboratory Services, Illumina
Classification: Benign for Melanoma, cutaneous malignant, susceptibility to, 3. Last evaluated: 2018-01-13. Review status: criteria provided, single submitter. Criteria: ICSL Variant Classification Criteria 13 December 2019. Collection method: clinical testing. Allele origin: germline.
Comment: This variant was observed in the ICSL laboratory as part of a predisposition screen in an ostensibly healthy population. It had not been previously curated by ICSL or reported in the Human Gene Mutation Database (HGMD: prior to June 1st, 2018), and was therefore a candidate for classification through an automated scoring system. Utilizing variant allele frequency, disease prevalence and penetrance estimates, and inheritance mode, an automated score was calculated to assess if this variant is too frequent to cause the disease. Based on the score and internal cut-off values, a variant classified as benign is not then subjected to further curation. The score for this variant resulted in a classification of benign for this disease.

NM_000075.4(CDK4):c.*751C>T

Genes: TSPAN31 (tetraspanin 31; plus strand), CDK4 (cyclin dependent kinase 4; minus strand). Cytogenetic location: 12q14.1.
Variant type: single nucleotide variant.
Coding change: c.*751C>T on transcript NM_000075.4 (MANE Select); 751 bases downstream of the stop codon, C replaced by T.
Molecular consequence: 3 prime UTR variant.
Genome position (GRCh38, 1-based): chr12:57,747,774, G>A on the plus strand (C>T on the coding strand, the complement: CDK4 is on the minus strand). VCF-style: chr12-57747774-G-A. GRCh37 (hg19) VCF-style: chr12-58141557-G-A.
Other names: c.*484G>A (NM_001330168.2, NM_001330169.2, NM_005981.5).
Identifiers: ClinVar variation 882172 (VCV000882172.4), dbSNP rs192347082, ClinGen allele CA237841072.